The following is an entry in ClinVar:

ClinVar aggregate classification (germline): Likely benign (0 of 4 stars; one submission).

Conditions:
DNHD1-related disorder. Also called: DNHD1-related condition.

Allele frequency attached by ClinVar (database versions not stated): gnomAD exomes 0.00011; gnomAD 0.00012; 1000 Genomes Project 30x 0.00016; TOPMed 0.00021.
gnomAD v4.1: 171 of 1,551,636 alleles (0.011%); highest among the groups gnomAD compares: Middle Eastern, 0.083%; no homozygotes.

Submission:

PreventionGenetics, part of Exact Sciences
Classification: Likely benign for DNHD1-related condition. Last evaluated: 2019-03-14. Review status: no assertion criteria provided. Collection method: clinical testing. Allele origin: germline.
Comment: This variant is classified as likely benign based on ACMG/AMP sequence variant interpretation guidelines (Richards et al. 2015 PMID: 25741868, with internal and published modifications).

NM_144666.3(DNHD1):c.9669+3G>A

Gene: DNHD1 (dynein heavy chain domain 1; plus strand). Cytogenetic location: 11p15.4.
Variant type: single nucleotide variant.
Coding change: c.9669+3G>A on transcript NM_144666.3 (MANE Select); 3 bases into the intron after coding-DNA position 9669, G replaced by A.
Molecular consequence: intron variant.
Genome position (GRCh38, 1-based): chr11:6,563,134, G>A. VCF-style: chr11-6563134-G-A. GRCh37 (hg19) VCF-style: chr11-6584364-G-A.
Identifiers: ClinVar variation 3046816 (VCV003046816.2), dbSNP rs929272408, ClinGen allele CA217294528.